The following is an entry in ClinVar:

ClinVar aggregate classification (germline): Pathogenic (1 of 4 stars; one submission).

Allele frequency attached by ClinVar (database versions not stated): gnomAD exomes 0.00001.

Submission:

Labcorp Genetics (formerly Invitae), Labcorp
Classification: Pathogenic. Last evaluated: 2022-02-28. Review status: criteria provided, single submitter. Criteria: Invitae Variant Classification Sherloc (09022015). Collection method: clinical testing. Allele origin: germline.
Comment: This variant has not been reported in the literature in individuals affected with SI-related conditions. This variant is present in population databases (no rsID available, gnomAD 0.003%). This sequence change creates a premature translational stop signal (p.Lys879Argfs*10) in the SI gene. It is expected to result in an absent or disrupted protein product. Loss-of-function variants in SI are known to be pathogenic (PMID: 16329100, 23103650, 25452324). For these reasons, this variant has been classified as Pathogenic.

Literature cited by the submitters: PubMed 16329100; PubMed 23103650; PubMed 25452324.

NM_001041.4(SI):c.2636_2643del (p.Lys879fs)

Gene: SI (sucrase-isomaltase; minus strand). Cytogenetic location: 3q26.1.
Variant type: Deletion.
Coding change: c.2636_2643del on transcript NM_001041.4 (MANE Select); coding-DNA positions 2636 to 2643, 8 bases deleted (AAATCCTT; older notation c.2636_2643delAAATCCTT).
Protein change: p.Lys879fs; shifts the reading frame from lysine 879.
Molecular consequence: frameshift variant.
Genome position (GRCh38, 1-based): chr3:165,032,615-165,032,622, AAGGATTT deleted on the plus strand (AAATCCTT on the coding strand, the reverse complement: SI is on the minus strand). VCF-style (leftmost placement, unchanged base first): chr3-165032614-CAAGGATTT-C. GRCh37 (hg19) VCF-style: chr3-164750402-CAAGGATTT-C.
Other names: short protein forms K879fs.
Identifiers: ClinVar variation 2079365 (VCV002079365.4), dbSNP rs1461489544, ClinGen allele CA547856410.